The following is an entry in ClinVar:

ClinVar aggregate classification (germline): Pathogenic/Likely pathogenic. Review status: criteria provided, multiple submitters, no conflicts (2 of 4 stars). 4 submissions from 4 submitters: Pathogenic (2); Likely pathogenic (2). Last evaluated 2024-12-16.

Conditions:
Aplasia/Hypoplasia of the cerebellum. Identifiers: MedGen C3279222, HP:0007360.
Anencephaly. Also called: Anencephalus. Identifiers: MedGen C0002902, MONDO:0000819, HP:0002323.
Ankle flexion contracture. Identifiers: MedGen C1837407, HP:0006466.
Polyhydramnios. Also called: Hydramnios; Polyhydramnios (disease). Identifiers: MedGen C0020224, MONDO:0004585, HP:0001561.
Abnormal heart morphology. Also called: Heart, malformation of; Abnormality of cardiac morphology. Identifiers: MedGen C0018798, MeSH D006330, HP:0001627.
PUS3-related disorder. Also called: PUS3-related condition.

Allele frequency attached by ClinVar (database versions not stated): ESP Exome Variant Server 0.00008; gnomAD exomes 0.00001; ExAC 0.00002; gnomAD 0.00002; TOPMed 0.00002.

Submissions (4):

PreventionGenetics, part of Exact Sciences
Classification: Likely pathogenic for PUS3-related condition. Last evaluated: 2024-12-16. Review status: criteria provided, single submitter. Criteria: ACMG Guidelines, 2015. Collection method: clinical testing. Allele origin: germline.
Comment: The PUS3 c.838C>T variant is predicted to result in premature protein termination (p.Arg280*). This variant was reported in an individual with anencephaly, aplasia/hypoplasia of the cerebellum, ankle contracture, abnormal heart morphology and polyhydramnios (Guo et al. 2020. PubMed ID: 31680349). This variant is reported in 0.0023% of alleles in individuals of European (Non-Finnish) descent in gnomAD. Nonsense variants in PUS3 are expected to be pathogenic. This variant is interpreted as likely pathogenic.

Labcorp Genetics (formerly Invitae), Labcorp
Classification: Pathogenic. Last evaluated: 2024-08-21. Review status: criteria provided, single submitter. Criteria: Invitae Variant Classification Sherloc (09022015). Collection method: clinical testing. Allele origin: germline.
Comment: This sequence change creates a premature translational stop signal (p.Arg280*) in the PUS3 gene. It is expected to result in an absent or disrupted protein product. Loss-of-function variants in PUS3 are known to be pathogenic (PMID: 27055666, 31444731, 34415064). This variant is present in population databases (rs374443634, gnomAD 0.004%). This variant has not been reported in the literature in individuals affected with PUS3-related conditions. ClinVar contains an entry for this variant (Variation ID: 978657). Algorithms developed to predict the effect of sequence changes on RNA splicing suggest that this variant may disrupt the consensus splice site. For these reasons, this variant has been classified as Pathogenic.

Dasa
Classification: Pathogenic. Last evaluated: 2024-05-30. Review status: criteria provided, single submitter. Criteria: DASA Assertion Criteria. Collection method: clinical testing. Allele origin: germline.
Comment: NM_031307.4(PUS3):c.838C>T (p.Arg280*) introduces a premature termination codon predicted to result in loss of normal protein function. Loss-of-function is an established mechanism of disease for this gene. Based on the available data, this variant is classified as pathogenic.

Center for Reproductive Medicine, Peking University Third Hospital
Classification: Likely pathogenic for Anencephaly; Aplasia/Hypoplasia of the cerebellum; Ankle flexion contracture; Abnormal heart morphology; Polyhydramnios. Last evaluated: 2019-10-16. Review status: criteria provided, single submitter. Criteria: ACMG Guidelines, 2015. Collection method: clinical testing. Allele origin: germline. Affected: yes.

Literature cited by the submitters: PubMed 27055666 (cited by Labcorp Genetics (formerly Invitae), Labcorp and Center for Reproductive Medicine, Peking University Third Hospital); PubMed 31444731 (cited by Labcorp Genetics (formerly Invitae), Labcorp); PubMed 34415064 (cited by Labcorp Genetics (formerly Invitae), Labcorp); PubMed 31680349 (cited by Center for Reproductive Medicine, Peking University Third Hospital).

NM_031307.4(PUS3):c.838C>T (p.Arg280Ter)

Genes: HYLS1 (HYLS1 centriolar and ciliogenesis associated; plus strand), PUS3 (pseudouridine synthase 3; minus strand). Cytogenetic location: 11q24.2.
Variant type: single nucleotide variant.
Coding change: c.838C>T on transcript NM_031307.4 (MANE Select); coding-DNA position 838, C replaced by T.
Protein change: p.Arg280Ter; replaces arginine 280 with a stop codon.
Molecular consequence: nonsense. On other transcripts: intron variant (5).
Genome position (GRCh38, 1-based): chr11:125,895,330, G>A on the plus strand (C>T on the coding strand, the complement: PUS3 is on the minus strand). VCF-style: chr11-125895330-G-A. GRCh37 (hg19) VCF-style: chr11-125765225-G-A.
Other names: c.838C>T (NM_031307.3); c.214C>T, p.Arg72Ter (NM_001271985.2); c.-80-3774G>A (NM_145014.3); c.-26+3858G>A (NM_001134793.2); c.-23+3858G>A (NM_001424364.1); c.-25-4014G>A (NM_001377269.1); c.-22-4017G>A (NM_001377270.1); short protein forms R280*, R72*.
Identifiers: ClinVar variation 978657 (VCV000978657.6), dbSNP rs374443634, ClinGen allele CA6350440.